The following is an entry in ClinVar:

NM_001042492.3(NF1):c.7508_7511del (p.Tyr2503fs)

Gene: NF1 (neurofibromin 1; plus strand). Cytogenetic location: 17q11.2.
Variant type: Deletion.
Coding change: c.7508_7511del on transcript NM_001042492.3 (MANE Select); coding-DNA positions 7508 to 7511, 4 bases deleted (ACCT; older notation c.7508_7511delACCT).
Protein change: p.Tyr2503fs; shifts the reading frame from tyrosine 2503.
Molecular consequence: frameshift variant.
Genome position (GRCh38, 1-based): chr17:31,352,307-31,352,310, ACCT deleted; deleting any 4 consecutive bases within chr17:31,352,306-31,352,310 gives the same sequence; the c. name uses the placement nearest the transcript's 3' end. VCF-style (leftmost placement, unchanged base first): chr17-31352305-ATACC-A. GRCh37 (hg19) VCF-style: chr17-29679323-ATACC-A.
Other names: c.7445_7448delACCT, p.Tyr2482Leufs (NM_000267.4); c.7445_7448delACCT (NM_000267.3); short protein forms Y2482fs, Y2503fs.
Identifiers: ClinVar variation 3385026 (VCV003385026.1).

ClinVar aggregate classification (germline): Pathogenic (1 of 4 stars; one submission).

Conditions:
Neurofibromatosis, type 1 (NF1). Also called: Neurofibromatosis, type I; VON RECKLINGHAUSEN DISEASE; NEUROFIBROMATOSIS, TYPE I, SOMATIC; Peripheral type neurofibromatosis. Identifiers: Orphanet 636, MedGen C0027831, MONDO:0018975, OMIM 162200. Disease mechanism: loss of function.

Submission:

Women's Health and Genetics/Laboratory Corporation of America, LabCorp
Classification: Pathogenic for Neurofibromatosis, type 1. Last evaluated: 2024-10-01. Review status: criteria provided, single submitter. Criteria: LabCorp Variant Classification Summary - May 2015. Collection method: clinical testing. Allele origin: germline.
Comment: Variant summary: NF1 c.7445_7448delACCT (p.Tyr2482LeufsX19) results in a premature termination codon, predicted to cause a truncation of the encoded protein or absence of the protein due to nonsense mediated decay, which are commonly known mechanisms for disease. The variant was absent in 251474 control chromosomes. To our knowledge, no occurrence of c.7445_7448delACCT in individuals affected with Neurofibromatosis Type 1 and no experimental evidence demonstrating its impact on protein function have been reported. No submitters have cited clinical-significance assessments for this variant to ClinVar. Based on the evidence outlined above, the variant was classified as pathogenic.